The following is an entry in ClinVar:

ClinVar aggregate classification (germline): Uncertain significance. Review status: criteria provided, multiple submitters, no conflicts (2 of 4 stars). 2 submissions from 2 submitters: Uncertain significance (2). Last evaluated 2025-06-11.

Conditions:
Inborn genetic diseases. Identifiers: MedGen C0950123, MeSH D030342.
Polycystic kidney disease 3 with or without polycystic liver disease. Also called: POLYCYSTIC KIDNEY DISEASE, ADULT, TYPE III; Polycystic kidney disease 3; Polycystic Kidney and/or Polycystic Liver Disease 3. Identifiers: MedGen C3887964, MONDO:0010916, OMIM 600666.

Allele frequency attached by ClinVar (database versions not stated): gnomAD exomes below 0.00001.

Submissions (2):

Ambry Genetics
Classification: Uncertain significance for Inborn genetic diseases. Last evaluated: 2025-06-11. Review status: criteria provided, single submitter. Criteria: Ambry Variant Classification Scheme 2023. Collection method: clinical testing. Allele origin: germline.

Revvity Omics, Revvity
Classification: Uncertain significance for Polycystic kidney disease 3 with or without polycystic liver disease. Last evaluated: 2021-09-02. Review status: criteria provided, single submitter. Criteria: ACMG Guidelines, 2015. Collection method: clinical testing. Allele origin: germline.

NM_198334.3(GANAB):c.760G>A (p.Glu254Lys)

Gene: GANAB (glucosidase II alpha subunit; minus strand). Cytogenetic location: 11q12.3.
Variant type: single nucleotide variant.
Coding change: c.760G>A on transcript NM_198334.3 (MANE Select); coding-DNA position 760, G replaced by A.
Protein change: p.Glu254Lys; replaces glutamic acid 254 with lysine.
Molecular consequence: missense variant.
Genome position (GRCh38, 1-based): chr11:62,633,060, C>T on the plus strand (G>A on the coding strand, the complement: GANAB is on the minus strand). VCF-style: chr11-62633060-C-T. GRCh37 (hg19) VCF-style: chr11-62400532-C-T.
Other names: c.484G>A, p.Glu162Lys (NM_001278192.2); c.418G>A, p.Glu140Lys (NM_001278193.2); c.469G>A, p.Glu157Lys (NM_001278194.2, NM_001329222.2, NM_001329223.2); c.37G>A, p.Glu13Lys (NM_001329224.2, NM_001329225.2); c.826G>A, p.Glu276Lys (NM_198335.4); c.826G>A (NM_198335.2); short protein forms E13K, E140K, E157K, E162K, E254K, E276K.
Identifiers: ClinVar variation 2432036 (VCV002432036.5), dbSNP rs2496357763, ClinGen allele CA380995080.